The following is an entry in ClinVar:

ClinVar aggregate classification (germline): Uncertain significance (1 of 4 stars; one submission).

Allele frequency attached by ClinVar (database versions not stated): gnomAD exomes below 0.00001.
gnomAD v4.1: 1 of 1,613,018 alleles (0.000062%); highest among the groups gnomAD compares: Admixed American, 0.0017%; no homozygotes.

Submission:

Labcorp Genetics (formerly Invitae), Labcorp
Classification: Uncertain significance. Last evaluated: 2022-07-08. Review status: criteria provided, single submitter. Criteria: Invitae Variant Classification Sherloc (09022015). Collection method: clinical testing. Allele origin: germline.
Comment: This sequence change replaces phenylalanine, which is neutral and non-polar, with tyrosine, which is neutral and polar, at codon 1713 of the DMXL2 protein (p.Phe1713Tyr). This variant is not present in population databases (gnomAD no frequency). This variant has not been reported in the literature in individuals affected with DMXL2-related conditions. Algorithms developed to predict the effect of missense changes on protein structure and function are either unavailable or do not agree on the potential impact of this missense change (SIFT: "Deleterious"; PolyPhen-2: "Probably Damaging"; Align-GVGD: "Class C15"). In summary, the available evidence is currently insufficient to determine the role of this variant in disease. Therefore, it has been classified as a Variant of Uncertain Significance.

NM_001378457.1(DMXL2):c.5138T>A (p.Phe1713Tyr)

Gene: DMXL2 (Dmx like 2; minus strand). Cytogenetic location: 15q21.2.
Variant type: single nucleotide variant.
Coding change: c.5138T>A on transcript NM_001378457.1 (MANE Select); coding-DNA position 5138, T replaced by A.
Protein change: p.Phe1713Tyr; replaces phenylalanine 1713 with tyrosine.
Molecular consequence: missense variant. On other transcripts: non-coding transcript variant (2).
Genome position (GRCh38, 1-based): chr15:51,488,033, A>T on the plus strand (T>A on the coding strand, the complement: DMXL2 is on the minus strand). VCF-style: chr15-51488033-A-T. GRCh37 (hg19) VCF-style: chr15-51780230-A-T.
Other names: c.5138T>A, p.Phe1713Tyr (NM_001174116.3, NM_001378458.1, NM_001378459.1 and 4 more transcripts); c.3230T>A, p.Phe1077Tyr (NM_001174117.3); c.3119T>A, p.Phe1040Tyr (NM_001378460.1); c.4898T>A, p.Phe1633Tyr (NM_001378464.1); short protein forms F1077Y, F1633Y, F1713Y, F1040Y.
Identifiers: ClinVar variation 1918001 (VCV001918001.2), dbSNP rs2548473622, ClinGen allele CA392427576.